The following is an entry in ClinVar:

NM_021831.6(AGBL5):c.1522G>A (p.Gly508Arg)

Gene: AGBL5 (AGBL carboxypeptidase 5; plus strand). Cytogenetic location: 2p23.3.
Variant type: single nucleotide variant.
Coding change: c.1522G>A on transcript NM_021831.6 (MANE Select); coding-DNA position 1522, G replaced by A.
Protein change: p.Gly508Arg; replaces glycine 508 with arginine.
Molecular consequence: missense variant. On other transcripts: non-coding transcript variant (2).
Genome position (GRCh38, 1-based): chr2:27,056,779, G>A. VCF-style: chr2-27056779-G-A. GRCh37 (hg19) VCF-style: chr2-27279647-G-A.
Other names: c.1522G>A, p.Gly508Arg (NM_001035506.1, NM_001035507.3); short protein forms G508R.
Identifiers: ClinVar variation 1923539 (VCV001923539.3), dbSNP rs1394049498, ClinGen allele CA346183072.

ClinVar aggregate classification (germline): Uncertain significance (1 of 4 stars; one submission).

Allele frequency attached by ClinVar (database versions not stated): gnomAD 0.00001.
gnomAD v4.1: 8 of 1,607,356 alleles (0.0005%); highest among the groups gnomAD compares: East Asian, 0.0022%; no homozygotes.

Submission:

Labcorp Genetics (formerly Invitae), Labcorp
Classification: Uncertain significance. Last evaluated: 2022-08-08. Review status: criteria provided, single submitter. Criteria: Invitae Variant Classification Sherloc (09022015). Collection method: clinical testing. Allele origin: germline.
Comment: In summary, the available evidence is currently insufficient to determine the role of this variant in disease. Therefore, it has been classified as a Variant of Uncertain Significance. Algorithms developed to predict the effect of missense changes on protein structure and function are either unavailable or do not agree on the potential impact of this missense change (SIFT: "Deleterious"; PolyPhen-2: "Probably Damaging"; Align-GVGD: "Class C0"). This variant has not been reported in the literature in individuals affected with AGBL5-related conditions. This variant is not present in population databases (gnomAD no frequency). This sequence change replaces glycine, which is neutral and non-polar, with arginine, which is basic and polar, at codon 508 of the AGBL5 protein (p.Gly508Arg).